The following is an entry in ClinVar:

NM_001113378.2(FANCI):c.157+78G>A

Gene: FANCI (FA complementation group I; plus strand). Cytogenetic location: 15q26.1.
Variant type: single nucleotide variant.
Coding change: c.157+78G>A on transcript NM_001113378.2 (MANE Select); 78 bases into the intron after coding-DNA position 157, G replaced by A.
Molecular consequence: intron variant.
Genome position (GRCh38, 1-based): chr15:89,258,854, G>A. VCF-style: chr15-89258854-G-A. GRCh37 (hg19) VCF-style: chr15-89802085-G-A.
Other names: c.157+78G>A (NM_018193.3, NM_001376911.1); c.-123+78G>A (NM_001376910.1).
Identifiers: ClinVar variation 929713 (VCV000929713.1), dbSNP rs963339667, ClinGen allele CA274534364.

ClinVar aggregate classification (germline): Pathogenic (0 of 4 stars; one submission).

Conditions:
Fanconi anemia complementation group I (FANCI). Also called: FANCI-Related Fanconi Anemia. Identifiers: Orphanet 84, MedGen C1836861, MONDO:0012186, OMIM 609053.

Allele frequency attached by ClinVar (database versions not stated): gnomAD 0.00001; TOPMed 0.00001.
gnomAD v4.1: 11 of 1,081,920 alleles (0.001%); highest among the groups gnomAD compares: East Asian, 0.0047%; no homozygotes.

Submission:

Leiden Open Variation Database
Classification: Pathogenic for Fanconi anemia complementation group I. Last evaluated: 2013-10-04. Review status: no assertion criteria provided. Collection method: curation. Allele origin: germline. Affected: yes.
Comment: Curator: Arleen D. Auerbach. Submitter to LOVD: Arleen D. Auerbach.

Literature cited by the submitters: PubMed 23093618.